The following is an entry in ClinVar:

ClinVar aggregate classification (germline): Conflicting classifications of pathogenicity. Review status: criteria provided, conflicting classifications (1 of 4 stars). 2 submissions from 2 submitters: Uncertain significance (1); Likely benign (1). Last evaluated 2025-07-17.

Conditions:
Hereditary nonpolyposis colorectal neoplasms. Identifiers: MedGen C0009405, MeSH D003123.
Hereditary cancer-predisposing syndrome. Also called: Neoplastic Syndromes, Hereditary; Hereditary Cancer Syndrome; Tumor predisposition; Hereditary neoplastic syndrome. Identifiers: Orphanet 140162, MedGen C0027672, MeSH D009386, MONDO:0015356.

Allele frequency attached by ClinVar (database versions not stated): gnomAD exomes below 0.00001; ExAC 0.00001.
gnomAD v4.1: 1 of 1,614,070 alleles (0.000062%); highest among the groups gnomAD compares: East Asian, 0.0022%; no homozygotes.

Submissions (2):

Ambry Genetics
Classification: Uncertain significance for Hereditary cancer-predisposing syndrome. Last evaluated: 2025-07-17. Review status: criteria provided, single submitter. Criteria: Ambry Variant Classification Scheme 2023. Collection method: clinical testing. Allele origin: germline.
Comment: The p.I745V variant (also known as c.2233A>G), located in coding exon 4 of the MSH6 gene, results from an A to G substitution at nucleotide position 2233. The isoleucine at codon 745 is replaced by valine, an amino acid with highly similar properties. This amino acid position is not well conserved in available vertebrate species. In addition, the in silico prediction for this alteration is inconclusive. Based on the available evidence, the clinical significance of this variant remains unclear.

Labcorp Genetics (formerly Invitae), Labcorp
Classification: Likely benign for Hereditary nonpolyposis colorectal neoplasms. Last evaluated: 2025-04-22. Review status: criteria provided, single submitter. Criteria: Invitae Variant Classification Sherloc (09022015). Collection method: clinical testing. Allele origin: germline.

NM_000179.3(MSH6):c.2233A>G (p.Ile745Val)

Gene: MSH6 (mutS homolog 6; plus strand). Cytogenetic location: 2p16.3.
Variant type: single nucleotide variant.
Coding change: c.2233A>G on transcript NM_000179.3 (MANE Select); coding-DNA position 2233, A replaced by G.
Protein change: p.Ile745Val; replaces isoleucine 745 with valine.
Molecular consequence: missense variant.
Genome position (GRCh38, 1-based): chr2:47,800,216, A>G. VCF-style: chr2-47800216-A-G. GRCh37 (hg19) VCF-style: chr2-48027355-A-G.
Other names: c.1843A>G, p.Ile615Val (NM_001281492.2); c.1327A>G, p.Ile443Val (NM_001281493.2, NM_001281494.2); short protein forms I745V, I443V, I615V.
Identifiers: ClinVar variation 575310 (VCV000575310.12), dbSNP rs768731337, ClinGen allele CA068641.